The following is an entry in ClinVar:

NM_000350.3(ABCA4):c.4326C>A (p.Asn1442Lys)

Gene: ABCA4 (ATP binding cassette subfamily A member 4; minus strand). Cytogenetic location: 1p22.1.
Variant type: single nucleotide variant.
Coding change: c.4326C>A on transcript NM_000350.3 (MANE Select); coding-DNA position 4326, C replaced by A.
Protein change: p.Asn1442Lys; replaces asparagine 1442 with lysine.
Molecular consequence: missense variant.
Genome position (GRCh38, 1-based): chr1:94,030,454, G>T on the plus strand (C>A on the coding strand, the complement: ABCA4 is on the minus strand). VCF-style: chr1-94030454-G-T. GRCh37 (hg19) VCF-style: chr1-94496010-G-T.
Other names: c.4104C>A, p.Asn1368Lys (NM_001425324.1); short protein forms N1442K, N1368K.
Identifiers: ClinVar variation 417991 (VCV000417991.16), dbSNP rs762150575, ClinGen allele CA957653.
Genomic context (GRCh38, chr1:94,030,454, plus strand): 5'-AGTCTTCTTAGGACAGGGGCGCGTAGGCACTTACGGAAGCCACCCTTCCTTCAGGCAGCG[G>T]TTGCCAAAGCCTGGCTTATTCAGGAGGACGTCTGCAAGTACCGTGAACTGCTCACTGCCT-3'
Protein context (NP_000341.2, residues 1432-1452): DVLLNKPGFG[Asn1442Lys]RCLKEGWLPE

ClinVar aggregate classification (germline): Pathogenic. Review status: criteria provided, multiple submitters, no conflicts (2 of 4 stars). 5 submissions from 5 submitters: Pathogenic (4). 1 of the submissions does not count toward it. Last evaluated 2025-02-10.

Conditions:
ABCA4-related disorder. Also called: ABCA4-related disorders; ABCA4-related condition. Identifiers: MedGen CN239167.
Retinitis pigmentosa (RP). Identifiers: Orphanet 791, MedGen C0035334, MeSH D012174, MONDO:0019200, OMIM 268000. Inheritance: Autosomal dominant, autosomal recessive and X linked inheritance.
Stargardt disease (FFM). Also called: Stargardt's disease; Fundus flavimaculatus. Identifiers: Orphanet 827, MedGen C0271093, MONDO:0019353.

Allele frequency attached by ClinVar (database versions not stated): gnomAD 0.00001; TOPMed 0.00001; ExAC 0.00002; gnomAD exomes 0.00002.
gnomAD v4.1: 32 of 1,614,110 alleles (0.002%); highest among the groups gnomAD compares: Non-Finnish European, 0.0025%; no homozygotes.

Submissions (5):

Women's Health and Genetics/Laboratory Corporation of America, LabCorp
Classification: Pathogenic for Retinitis pigmentosa. Last evaluated: 2025-02-10. Review status: criteria provided, single submitter. Criteria: LabCorp Variant Classification Summary - May 2015. Collection method: clinical testing. Allele origin: germline.
Comment: Variant summary: ABCA4 c.4326C>A (p.Asn1442Lys) results in a non-conservative amino acid change in the encoded protein sequence. Three of five in-silico tools predict a benign effect of the variant on protein function. The variant allele was found at a frequency of 1.6e-05 in 251476 control chromosomes. c.4326C>A has been reported in the literature in multiple compound heterozygous individuals affected with Stargardt disease or Retinitis Pigmentosa (Downes_2012, Fujinami_2013, Stone_2017, Fenner_2024, Tanna_2019, Invitae). These data indicate that the variant is very likely to be associated with disease. To our knowledge, no experimental evidence demonstrating an impact on protein function has been reported. The following publications have been ascertained in the context of this evaluation (PMID: 23143460, 38309476, 23982839, 28559085, 30834176). ClinVar contains an entry for this variant (Variation ID: 417991). Based on the evidence outlined above, the variant was classified as pathogenic.

Labcorp Genetics (formerly Invitae), Labcorp
Classification: Pathogenic. Last evaluated: 2024-12-02. Review status: criteria provided, single submitter. Criteria: Invitae Variant Classification Sherloc (09022015). Collection method: clinical testing. Allele origin: germline.
Comment: This sequence change replaces asparagine, which is neutral and polar, with lysine, which is basic and polar, at codon 1442 of the ABCA4 protein (p.Asn1442Lys). This variant is present in population databases (rs762150575, gnomAD 0.004%). This missense change has been observed in individual(s) with Stargardt disease or cone-rod dystrophy (PMID: 23143460, 23982839, 28559085, 30834176; internal data). In at least one individual the data is consistent with being in trans (on the opposite chromosome) from a pathogenic variant. ClinVar contains an entry for this variant (Variation ID: 417991). Invitae Evidence Modeling of protein sequence and biophysical properties (such as structural, functional, and spatial information, amino acid conservation, physicochemical variation, residue mobility, and thermodynamic stability) indicates that this missense variant is expected to disrupt ABCA4 protein function with a positive predictive value of 95%. This variant disrupts the p.Asn1442 amino acid residue in ABCA4. Other variant(s) that disrupt this residue have been observed in individuals with ABCA4-related conditions (PMID: 30060493), which suggests that this may be a clinically significant amino acid residue. For these reasons, this variant has been classified as Pathogenic.

Blueprint Genetics
Classification: Pathogenic for ABCA4-related disorders. Last evaluated: 2023-12-12. Review status: criteria provided, single submitter. Criteria: ACMG Guidelines, 2015. Collection method: clinical testing. Allele origin: germline. Affected: yes. Observed: 5 variant alleles.

GeneDx
Classification: Pathogenic. Last evaluated: 2023-06-16. Review status: criteria provided, single submitter. Criteria: GeneDx Variant Classification Process June 2021. Collection method: clinical testing. Allele origin: germline. Affected: yes.
Comment: Not observed at significant frequency in large population cohorts (gnomAD); In silico analysis supports that this missense variant does not alter protein structure/function; This variant is associated with the following publications: (PMID: 21911583, 23982839, 30834176, 30718709, 28559085, 23143460, 28005406, 30060493, 31589614, 36672932, 31964843)

Department of Clinical Genetics, Copenhagen University Hospital, Rigshospitalet
Classification: Likely pathogenic for Stargardt disease. Last evaluated: 2018-04-01. Review status: no assertion criteria provided. Collection method: research. Allele origin: unknown. Affected: yes. Study: VeluxRD. Not counted in ClinVar's aggregate classification.

Literature cited by the submitters: PubMed 28559085 (cited by Women's Health and Genetics/Laboratory Corporation of America, LabCorp and Labcorp Genetics (formerly Invitae), Labcorp); PubMed 23982839 (cited by Women's Health and Genetics/Laboratory Corporation of America, LabCorp and Labcorp Genetics (formerly Invitae), Labcorp); PubMed 23143460 (cited by Women's Health and Genetics/Laboratory Corporation of America, LabCorp and Labcorp Genetics (formerly Invitae), Labcorp); PubMed 38309476 (cited by Women's Health and Genetics/Laboratory Corporation of America, LabCorp); PubMed 30834176 (cited by Women's Health and Genetics/Laboratory Corporation of America, LabCorp and Labcorp Genetics (formerly Invitae), Labcorp); PubMed 30060493 (cited by Labcorp Genetics (formerly Invitae), Labcorp); PubMed 30718709 (cited by Department of Clinical Genetics, Copenhagen University Hospital, Rigshospitalet).